The following is an entry in ClinVar:

ClinVar aggregate classification (germline): Uncertain significance (1 of 4 stars; one submission).

Submission:

Labcorp Genetics (formerly Invitae), Labcorp
Classification: Uncertain significance. Last evaluated: 2024-10-24. Review status: criteria provided, single submitter. Criteria: Invitae Variant Classification Sherloc (09022015). Collection method: clinical testing. Allele origin: germline.
Comment: This sequence change replaces serine, which is neutral and polar, with asparagine, which is neutral and polar, at codon 240 of the C2 protein (p.Ser240Asn). This variant is not present in population databases (gnomAD no frequency). This variant has not been reported in the literature in individuals affected with C2-related conditions. ClinVar contains an entry for this variant (Variation ID: 2125769). An algorithm developed to predict the effect of missense changes on protein structure and function (PolyPhen-2) suggests that this variant is likely to be tolerated. In summary, the available evidence is currently insufficient to determine the role of this variant in disease. Therefore, it has been classified as a Variant of Uncertain Significance.

NM_000063.6(C2):c.719G>A (p.Ser240Asn)

Gene: C2 (complement C2; plus strand). Cytogenetic location: 6p21.33.
Variant type: single nucleotide variant.
Coding change: c.719G>A on transcript NM_000063.6 (MANE Select); coding-DNA position 719, G replaced by A.
Protein change: p.Ser240Asn; replaces serine 240 with asparagine.
Molecular consequence: missense variant. On other transcripts: intron variant (2).
Genome position (GRCh38, 1-based): chr6:31,934,169, G>A. VCF-style: chr6-31934169-G-A. GRCh37 (hg19) VCF-style: chr6-31901946-G-A.
Other names: c.323G>A, p.Ser108Asn (NM_001145903.3); c.632G>A, p.Ser211Asn (NM_001282458.2); c.719G>A, p.Ser240Asn (NM_001282459.2); c.111+386G>A (NM_001282457.2); c.346+204G>A (NM_001178063.3); short protein forms S108N, S240N, S211N.
Identifiers: ClinVar variation 2125769 (VCV002125769.4), dbSNP rs1409289072, ClinGen allele CA363366977.